The following is an entry in ClinVar:

ClinVar aggregate classification (germline): Uncertain significance (1 of 4 stars; one submission).

Conditions:
Ataxia-telangiectasia syndrome (AT). Also called: Ataxia-telangiectasia, complementation group E; ATAXIA-TELANGIECTASIA, COMPLEMENTATION GROUP A; ATAXIA-TELANGIECTASIA, FRESNO VARIANT; Ataxia-telangiectasia; LOUIS-BAR SYNDROME; Ataxia-telangiectasia, complementation group D. Identifiers: Orphanet 100, MedGen C0004135, MONDO:0008840, OMIM 208900.

Submission:

Labcorp Genetics (formerly Invitae), Labcorp
Classification: Uncertain significance for Ataxia-telangiectasia syndrome. Last evaluated: 2022-10-27. Review status: criteria provided, single submitter. Criteria: Invitae Variant Classification Sherloc (09022015). Collection method: clinical testing. Allele origin: germline.
Comment: In summary, the available evidence is currently insufficient to determine the role of this variant in disease. Therefore, it has been classified as a Variant of Uncertain Significance. Algorithms developed to predict the effect of sequence changes on RNA splicing suggest that this variant may disrupt the consensus splice site. Algorithms developed to predict the effect of missense changes on protein structure and function (SIFT, PolyPhen-2, Align-GVGD) all suggest that this variant is likely to be tolerated. This variant has not been reported in the literature in individuals affected with ATM-related conditions. This variant is not present in population databases (gnomAD no frequency). This sequence change replaces glutamic acid, which is acidic and polar, with valine, which is neutral and non-polar, at codon 957 of the ATM protein (p.Glu957Val).

NM_000051.4(ATM):c.2870A>T (p.Glu957Val)

Gene: ATM (ATM serine/threonine kinase; plus strand). Cytogenetic location: 11q22.3.
Variant type: single nucleotide variant.
Coding change: c.2870A>T on transcript NM_000051.4 (MANE Select); coding-DNA position 2870, A replaced by T.
Protein change: p.Glu957Val; replaces glutamic acid 957 with valine.
Molecular consequence: missense variant.
Genome position (GRCh38, 1-based): chr11:108,271,095, A>T. VCF-style: chr11-108271095-A-T. GRCh37 (hg19) VCF-style: chr11-108141822-A-T.
Other names: c.2870A>T, p.Glu957Val (NM_001351834.2); short protein forms E957V.
Identifiers: ClinVar variation 2810183 (VCV002810183.3), dbSNP rs2135547932, ClinGen allele CA382546799.